The following is an entry in ClinVar:

NM_001003800.2(BICD2):c.1817G>A (p.Ser606Asn)

Gene: BICD2 (BICD cargo adaptor 2; minus strand). Cytogenetic location: 9q22.31.
Variant type: single nucleotide variant.
Coding change: c.1817G>A on transcript NM_001003800.2 (MANE Select); coding-DNA position 1817, G replaced by A.
Protein change: p.Ser606Asn; replaces serine 606 with asparagine.
Molecular consequence: missense variant.
Genome position (GRCh38, 1-based): chr9:92,718,828, C>T on the plus strand (G>A on the coding strand, the complement: BICD2 is on the minus strand). VCF-style: chr9-92718828-C-T. GRCh37 (hg19) VCF-style: chr9-95481110-C-T.
Other names: c.1817G>A, p.Ser606Asn (NM_015250.4); short protein forms S606N.
Identifiers: ClinVar variation 1377003 (VCV001377003.6), dbSNP rs897077465, ClinGen allele CA196340065.

ClinVar aggregate classification (germline): Uncertain significance (1 of 4 stars; one submission).

Conditions:
Autosomal dominant childhood-onset proximal spinal muscular atrophy with contractures (SMALED2A). Also called: SPINAL MUSCULAR ATROPHY, LOWER EXTREMITY-PREDOMINANT, 2A, CHILDHOOD ONSET, AUTOSOMAL DOMINANT; Spinal muscular atrophy, lower extremity-predominant, 2A, autosomal dominant. Identifiers: Orphanet 363447, Orphanet 363454, MedGen C4747715, MONDO:0014121, OMIM 615290.

Allele frequency attached by ClinVar (database versions not stated): gnomAD exomes below 0.00001.
gnomAD v4.1: 2 of 1,611,212 alleles (0.00012%); highest among the groups gnomAD compares: Non-Finnish European, 0.00017%; no homozygotes.

Submission:

Labcorp Genetics (formerly Invitae), Labcorp
Classification: Uncertain significance for Autosomal dominant childhood-onset proximal spinal muscular atrophy with contractures. Last evaluated: 2022-07-26. Review status: criteria provided, single submitter. Criteria: Invitae Variant Classification Sherloc (09022015). Collection method: clinical testing. Allele origin: germline.
Comment: This variant is not present in population databases (gnomAD no frequency). This sequence change replaces serine, which is neutral and polar, with asparagine, which is neutral and polar, at codon 606 of the BICD2 protein (p.Ser606Asn). In summary, the available evidence is currently insufficient to determine the role of this variant in disease. Therefore, it has been classified as a Variant of Uncertain Significance. Advanced modeling of protein sequence and biophysical properties (such as structural, functional, and spatial information, amino acid conservation, physicochemical variation, residue mobility, and thermodynamic stability) performed at Invitae indicates that this missense variant is not expected to disrupt BICD2 protein function. ClinVar contains an entry for this variant (Variation ID: 1377003). This variant has not been reported in the literature in individuals affected with BICD2-related conditions.